The following is an entry in ClinVar:

ClinVar aggregate classification (germline): Conflicting classifications of pathogenicity. Review status: criteria provided, conflicting classifications (1 of 4 stars). 8 submissions from 8 submitters: Likely pathogenic (5); Uncertain significance (2). 1 of the submissions does not count toward it. Last evaluated 2025-06-12.

Conditions:
ZFYVE26-related disorder. Also called: ZFYVE26-related condition.
Inborn genetic diseases. Identifiers: MedGen C0950123, MeSH D030342.
Spastic paraplegia. Identifiers: MedGen C0037772, HP:0001258.
Hereditary spastic paraplegia. Also called: Familial spastic paraparesis. Identifiers: Orphanet 685, MedGen C0037773, MONDO:0019064. Disease mechanism: loss of function.
Hereditary spastic paraplegia 15 (SPG15). Also called: SPASTIC PARAPLEGIA 15, AUTOSOMAL RECESSIVE; SPASTIC PARAPLEGIA AND RETINAL DEGENERATION; KJELLIN SYNDROME. Identifiers: Orphanet 100996, MedGen C1849128, MONDO:0010044, OMIM 270700.

Allele frequency attached by ClinVar (database versions not stated): gnomAD exomes 0.00002; ExAC 0.00004; TOPMed 0.00004; gnomAD 0.00006; ESP Exome Variant Server 0.00015.
gnomAD v4.1: 141 of 1,614,018 alleles (0.0087%); highest among the groups gnomAD compares: Non-Finnish European, 0.012%; no homozygotes.

Submissions (8):

GeneDx
Classification: Likely pathogenic. Last evaluated: 2025-06-12. Review status: criteria provided, single submitter. Criteria: GeneDx Variant Classification Process June 2021. Collection method: clinical testing. Allele origin: germline. Affected: yes.
Comment: Canonical splice site variant predicted to result in an in-frame loss of the adjacent exon in a gene for which loss of function is a known mechanism of disease; Not observed at significant frequency in large population cohorts (gnomAD); Has not been previously published as pathogenic or benign to our knowledge; This variant is associated with the following publications: (PMID: 18394578, 19805727)

Labcorp Genetics (formerly Invitae), Labcorp
Classification: Likely pathogenic for Spastic paraplegia. Last evaluated: 2024-10-25. Review status: criteria provided, single submitter. Criteria: Invitae Variant Classification Sherloc (09022015). Collection method: clinical testing. Allele origin: germline.
Comment: This sequence change affects a donor splice site in intron 17 of the ZFYVE26 gene. It is expected to disrupt RNA splicing. Variants that disrupt the donor or acceptor splice site typically lead to a loss of protein function (PMID: 16199547), and loss-of-function variants in ZFYVE26 are known to be pathogenic (PMID: 18394578, 19805727). This variant is present in population databases (rs137907310, gnomAD 0.007%). This variant has not been reported in the literature in individuals affected with ZFYVE26-related conditions. ClinVar contains an entry for this variant (Variation ID: 550192). Algorithms developed to predict the effect of sequence changes on RNA splicing suggest that this variant may disrupt the consensus splice site. In summary, the currently available evidence indicates that the variant is pathogenic, but additional data are needed to prove that conclusively. Therefore, this variant has been classified as Likely Pathogenic.

Blueprint Genetics
Classification: Likely pathogenic for ZFYVE26-related disorders. Last evaluated: 2024-10-22. Review status: criteria provided, single submitter. Criteria: ACMG Guidelines, 2015. Collection method: clinical testing. Allele origin: germline. Affected: yes. Observed: 3 variant alleles.

Fulgent Genetics
Classification: Likely pathogenic for Hereditary spastic paraplegia 15. Last evaluated: 2024-06-04. Review status: criteria provided, single submitter. Criteria: ACMG Guidelines, 2015. Collection method: clinical testing. Allele origin: germline.

Ambry Genetics
Classification: Uncertain significance for Inborn genetic diseases. Last evaluated: 2021-03-03. Review status: criteria provided, single submitter. Criteria: Ambry Variant Classification Scheme 2023. Collection method: clinical testing. Allele origin: germline.
Comment: The c.3139+1G>A intronic alteration consists of a G to A substitution one nucleotide after exon 17 of the ZFYVE26 gene. Alterations that disrupt the canonical splice site are expected to cause aberrant splicing, resulting in an abnormal protein or a transcript that is subject to nonsense-mediated mRNA decay. Based on data from the Genome Aggregation Database (gnomAD) database, the ZFYVE26 c.3139+1G>A alteration was observed in 0.0028% (8/282,836) of total alleles studied, with a frequency of 0.0054% (7/129,160) in the European (non-Finnish) subpopulation. In silico splice site analysis predicts that this alteration will weaken the native splice donor site and will result in the creation or strengthening of a novel splice donor site. Based on insufficient or conflicting evidence, the clinical significance of this alteration remains unclear.

Victorian Clinical Genetics Services, Murdoch Childrens Research Institute
Classification: Uncertain significance for Hereditary spastic paraplegia 15. Last evaluated: 2019-08-28. Review status: criteria provided, single submitter. Criteria: ACMG Guidelines, 2015. Collection method: clinical testing. Allele origin: germline. Inheritance: Autosomal recessive inheritance. Affected: yes.
Comment: A heterozygous canonical splice site variant was identified, NM_015346.3(ZFYVE26):c.3139+1G>A in intron 17 of 41 of the ZFYVE26 gene. This substitution is predicted to cause aberrant splicing in the ZFYVE26 gene, affecting protein function; further testing via RNA studies are required to confirm if splicing is altered. The nucleotide at this position has very high conservation (Phylop UCSC). In silico software predicts the loss of the donor splice site (NetGene2, Fruit fly, Human Splicing Finder, ASSP). The variant is present in the gnomAD population database at a frequency of 0.003% (8 heterozygotes, 0 homozygotes) and it has been previously reported as pathogenic and likely pathogenic (ClinVar). An alternative variant at the same canonical splice junction c.3139+2T>G has also been reported as a VUS and likely pathogenic (ClinVar). Based on information available at the time of curation, this variant has been classified as a VUS with POTENTIAL CLINICAL RELEVANCE.

Laboratory for Molecular Medicine, Mass General Brigham Personalized Medicine
Classification: Likely pathogenic for Hereditary spastic paraplegia. Last evaluated: 2017-04-02. Review status: criteria provided, single submitter. Criteria: ACMG Guidelines, 2015. Collection method: clinical testing. Allele origin: germline. Inheritance: Autosomal recessive inheritance.
Comment: The c.3139+1G>A variant in ZFYVE26 has not been previously reported in individuals with spastic paraplegia but has been identified in 5/66738 of European chromosomes by the Exome Aggregation Consortium (ExAC; dbSNP rs137907310). Although this variant has been seen in the general population, its frequency is low enough to be consistent with a recessive carrier frequency. This variant occurs in the invariant region (+/- 1,2) of the splice consensus sequence and is predicted to cause altered splicing leading to an abnormal or absent protein. Biallelic loss of function variants in ZFYVE26 have been associated with spastic paraplegia. In summary, although additional studies are required to fully establish its clinical significance, the c.3139+1G>A variant is likely pathogenic for spastic paraplegia in an autosomal recessive manner based upon predicted functional impact and low frequency in the general population.

Counsyl
Classification: Likely pathogenic for Hereditary spastic paraplegia 15. Last evaluated: 2016-12-20. Review status: no assertion criteria provided. Collection method: clinical testing. Allele origin: unknown. Not counted in ClinVar's aggregate classification.

Literature cited by the submitters: PubMed 16199547 (cited by Labcorp Genetics (formerly Invitae), Labcorp); PubMed 18394578 (cited by Labcorp Genetics (formerly Invitae), Labcorp); PubMed 19805727 (cited by Labcorp Genetics (formerly Invitae), Labcorp).

NM_015346.4(ZFYVE26):c.3139+1G>A

Gene: ZFYVE26 (zinc finger FYVE-type containing 26; minus strand). Cytogenetic location: 14q24.1.
Variant type: single nucleotide variant.
Coding change: c.3139+1G>A on transcript NM_015346.4 (MANE Select); the canonical splice donor site of the intron after coding-DNA position 3139, G replaced by A.
Molecular consequence: splice donor variant.
Genome position (GRCh38, 1-based): chr14:67,786,113, C>T on the plus strand (G>A on the coding strand, the complement: ZFYVE26 is on the minus strand). VCF-style: chr14-67786113-C-T. GRCh37 (hg19) VCF-style: chr14-68252830-C-T.
Identifiers: ClinVar variation 550192 (VCV000550192.19), dbSNP rs137907310, ClinGen allele CA7240072.